The following is an entry in ClinVar:

ClinVar aggregate classification (germline): Uncertain significance (1 of 4 stars; one submission).

Conditions:
Charcot-Marie-Tooth disease type 2. Also called: Charcot-Marie-Tooth type 2. Identifiers: Orphanet 64746, MedGen C0270914, MONDO:0018993.

Submission:

Labcorp Genetics (formerly Invitae), Labcorp
Classification: Uncertain significance for Charcot-Marie-Tooth disease type 2. Last evaluated: 2021-08-10. Review status: criteria provided, single submitter. Criteria: Invitae Variant Classification Sherloc (09022015). Collection method: clinical testing. Allele origin: germline.
Comment: In summary, the available evidence is currently insufficient to determine the role of this variant in disease. Therefore, it has been classified as a Variant of Uncertain Significance. Algorithms developed to predict the effect of missense changes on protein structure and function are either unavailable or do not agree on the potential impact of this missense change (SIFT: "Deleterious"; PolyPhen-2: "Possibly Damaging"; Align-GVGD: "Class C0"). This variant has not been reported in the literature in individuals affected with AARS-related conditions. This variant is not present in population databases (ExAC no frequency). This sequence change replaces arginine with tryptophan at codon 20 of the AARS protein (p.Arg20Trp). The arginine residue is moderately conserved and there is a moderate physicochemical difference between arginine and tryptophan.

NM_001605.3(AARS1):c.58A>T (p.Arg20Trp)

Gene: AARS1 (alanyl-tRNA synthetase 1; minus strand). Cytogenetic location: 16q22.1.
Variant type: single nucleotide variant.
Coding change: c.58A>T on transcript NM_001605.3 (MANE Select); coding-DNA position 58, A replaced by T.
Protein change: p.Arg20Trp; replaces arginine 20 with tryptophan.
Molecular consequence: missense variant.
Genome position (GRCh38, 1-based): chr16:70,282,706, T>A on the plus strand (A>T on the coding strand, the complement: AARS1 is on the minus strand). VCF-style: chr16-70282706-T-A. GRCh37 (hg19) VCF-style: chr16-70316609-T-A.
Other names: short protein forms R20W.
Identifiers: ClinVar variation 1682337 (VCV001682337.6), dbSNP rs770697148, ClinGen allele CA396570598.